The following is an entry in ClinVar:

NM_000059.4(BRCA2):c.9571T>C (p.Trp3191Arg)

Gene: BRCA2 (BRCA2 DNA repair associated; plus strand). Cytogenetic location: 13q13.1.
Variant type: single nucleotide variant.
Coding change: c.9571T>C on transcript NM_000059.4 (MANE Select); coding-DNA position 9571, T replaced by C.
Protein change: p.Trp3191Arg; replaces tryptophan 3191 with arginine.
Molecular consequence: missense variant.
Genome position (GRCh38, 1-based): chr13:32,396,967, T>C. VCF-style: chr13-32396967-T-C. GRCh37 (hg19) VCF-style: chr13-32971104-T-C.
Other names: short protein forms W3191R.
Identifiers: ClinVar variation 230046 (VCV000230046.17), dbSNP rs876658351, ClinGen allele CA10579839.

ClinVar aggregate classification (germline): Conflicting classifications of pathogenicity. Review status: criteria provided, conflicting classifications (1 of 4 stars). 4 submissions from 4 submitters: Uncertain significance (3); Likely benign (1). Last evaluated 2025-02-19.

Conditions:
Hereditary cancer-predisposing syndrome. Also called: Hereditary neoplastic syndrome; Hereditary Cancer Syndrome; Neoplastic Syndromes, Hereditary; Tumor predisposition. Identifiers: Orphanet 140162, MedGen C0027672, MeSH D009386, MONDO:0015356.
Hereditary breast ovarian cancer syndrome. Also called: Hereditary breast and ovarian cancer syndrome; Hereditary breast and ovarian cancer syndrome (HBOC); Breast and ovarian cancer; Hereditary breast and/or ovarian cancer syndrome; Hereditary breast and ovarian cancer; BRCA1- and BRCA2-Associated Hereditary Breast and Ovarian Cancer. Identifiers: Orphanet 145, MedGen C0677776, MeSH D061325, MONDO:0003582. Disease mechanism: loss of function.

Submissions (4):

Ambry Genetics
Classification: Likely benign for Hereditary cancer-predisposing syndrome. Last evaluated: 2025-02-19. Review status: criteria provided, single submitter. Criteria: Ambry Variant Classification Scheme 2023. Collection method: clinical testing. Allele origin: germline.

Labcorp Genetics (formerly Invitae), Labcorp
Classification: Uncertain significance for Hereditary breast ovarian cancer syndrome. Last evaluated: 2022-02-21. Review status: criteria provided, single submitter. Criteria: Invitae Variant Classification Sherloc (09022015). Collection method: clinical testing. Allele origin: germline.
Comment: This missense change has been observed in individual(s) with breast cancer (PMID: 23096355). This variant is not present in population databases (gnomAD no frequency). This sequence change replaces tryptophan, which is neutral and slightly polar, with arginine, which is basic and polar, at codon 3191 of the BRCA2 protein (p.Trp3191Arg). This variant is also known as c.9799T>C. In summary, the available evidence is currently insufficient to determine the role of this variant in disease. Therefore, it has been classified as a Variant of Uncertain Significance. Advanced modeling of protein sequence and biophysical properties (such as structural, functional, and spatial information, amino acid conservation, physicochemical variation, residue mobility, and thermodynamic stability) performed at Invitae indicates that this missense variant is not expected to disrupt BRCA2 protein function. ClinVar contains an entry for this variant (Variation ID: 230046).

Quest Diagnostics Nichols Institute San Juan Capistrano
Classification: Uncertain significance. Last evaluated: 2019-12-10. Review status: criteria provided, single submitter. Criteria: Quest Diagnostics criteria. Collection method: clinical testing. Allele origin: unknown.

Color Diagnostics, LLC DBA Color Health
Classification: Uncertain significance for Hereditary cancer-predisposing syndrome. Last evaluated: 2019-01-29. Review status: criteria provided, single submitter. Criteria: ACMG Guidelines, 2015. Collection method: clinical testing. Allele origin: germline.

Literature cited by the submitters: PubMed 23096355 (cited by 3 submitters).